The following is an entry in ClinVar:

NM_012156.2(EPB41L1):c.1626C>T (p.Pro542=)

Gene: EPB41L1 (erythrocyte membrane protein band 4.1 like 1; plus strand). Cytogenetic location: 20q11.23.
Variant type: single nucleotide variant.
Coding change: c.1626C>T on transcript NM_012156.2 (MANE Select); coding-DNA position 1626, C replaced by T.
Protein change: p.Pro542=; no amino-acid change (proline 542 retained).
Molecular consequence: synonymous variant.
Genome position (GRCh38, 1-based): chr20:36,197,999, C>T. VCF-style: chr20-36197999-C-T. GRCh37 (hg19) VCF-style: chr20-34785921-C-T.
Other names: c.1626C>T, p.Pro542= (NM_001258329.1); c.1497C>T, p.Pro499= (NM_001258330.1); c.1404C>T, p.Pro468= (NM_001258331.2, NM_177996.2).
Identifiers: ClinVar variation 435068 (VCV000435068.34), dbSNP rs112471399, ClinGen allele CA9839929.

ClinVar aggregate classification (germline): Likely benign. Review status: criteria provided, multiple submitters, no conflicts (2 of 4 stars). 3 submissions from 3 submitters: Likely benign (3). Last evaluated 2023-02-01.

Allele frequency attached by ClinVar (database versions not stated): ESP Exome Variant Server 0.00008; ExAC 0.00012; gnomAD 0.00012; gnomAD exomes 0.00013; TOPMed 0.00014.
gnomAD v4.1: 272 of 1,613,064 alleles (0.017%); highest among the groups gnomAD compares: Middle Eastern, 0.066%; no homozygotes.

Submissions (3):

CeGaT Center for Human Genetics Tuebingen
Classification: Likely benign. Last evaluated: 2023-02-01. Review status: criteria provided, single submitter. Criteria: CeGaT Center For Human Genetics Tuebingen Variant Classification Criteria Version 2. Collection method: clinical testing. Allele origin: germline. Affected: yes. Observed: 1 variant allele.
Comment: EPB41L1: BP4, BP7

Labcorp Genetics (formerly Invitae), Labcorp
Classification: Likely benign. Last evaluated: 2019-12-31. Review status: criteria provided, single submitter. Criteria: Invitae Variant Classification Sherloc (09022015). Collection method: clinical testing. Allele origin: germline.

Genetic Services Laboratory, University of Chicago
Classification: Likely benign. Last evaluated: 2016-10-03. Review status: criteria provided, single submitter. Criteria: ACMG Guidelines, 2015. Collection method: clinical testing. Allele origin: germline. Affected: no.